The following is an entry in ClinVar:

ClinVar aggregate classification (germline): Uncertain significance. Review status: criteria provided, multiple submitters, no conflicts (2 of 4 stars). 3 submissions from 3 submitters: Uncertain significance (3). Last evaluated 2026-05-29.

Conditions:
TTN-related disorder. Also called: TTN-related condition; TTN-related disease; TTN-related disorders.

Allele frequency attached by ClinVar (database versions not stated): gnomAD 0.00001 and 0.00002; TOPMed 0.00002; gnomAD exomes 0.00003 and 0.00005; ExAC 0.00006.
gnomAD v4.1: 46 of 1,613,594 alleles (0.0029%); highest among the groups gnomAD compares: South Asian, 0.034%; no homozygotes.

Submissions (3):

PreventionGenetics, part of Exact Sciences
Classification: Uncertain significance for TTN-related condition. Last evaluated: 2026-05-29. Review status: criteria provided, single submitter. Criteria: ACMG Guidelines, 2015. Collection method: clinical testing. Allele origin: germline.
Comment: The TTN c.39139C>T variant is predicted to result in the amino acid substitution p.Pro13047Ser. To our knowledge, this variant has not been reported in the literature. This variant is reported in 0.033% of alleles in individuals of South Asian descent in gnomAD. At this time, the clinical significance of this variant is uncertain due to the absence of conclusive functional and genetic evidence.

Revvity Omics, Revvity
Classification: Uncertain significance. Last evaluated: 2021-02-08. Review status: criteria provided, single submitter. Criteria: ACMG Guidelines, 2015. Collection method: clinical testing. Allele origin: germline.

GeneDx
Classification: Uncertain significance. Last evaluated: 2014-01-14. Review status: criteria provided, single submitter. Criteria: GeneDx Variant Classification (06012015). Collection method: clinical testing. Allele origin: germline. Affected: yes.
Comment: Missense variants in the TTN gene are considered 'unclassified' if they are not previously reported in the literature and do not have >1% frequency in the population to be considered a polymorphism. Research indicates that truncating mutations in the TTN gene are expected to account for approximately 25% of familial and 18% of sporadic idiopathic DCM; however, truncating variants in the TTN gene have been reported in approximately 3% of reported control alleles. There has been little investigation into non-truncating variants. (Herman D et al. Truncations of titin causing dilated cardiomyopathy. N Eng J Med 366:619-628, 2012) The variant is found in CARDIOMYOPATHY panel(s).

NM_001267550.2(TTN):c.39139C>T (p.Pro13047Ser)

Gene: TTN (titin; minus strand). Cytogenetic location: 2q31.2.
Variant type: single nucleotide variant.
Coding change: c.39139C>T on transcript NM_001267550.2 (MANE Select); coding-DNA position 39139, C replaced by T.
Protein change: p.Pro13047Ser; replaces proline 13047 with serine.
Molecular consequence: missense variant. On other transcripts: intron variant (3).
Genome position (GRCh38, 1-based): chr2:178,652,336, G>A on the plus strand (C>T on the coding strand, the complement: TTN is on the minus strand). VCF-style: chr2-178652336-G-A. GRCh37 (hg19) VCF-style: chr2-179517063-G-A.
Other names: p.P11540S:CCC>TCC; c.34618C>T, p.Pro11540Ser (NM_001256850.1); c.31837C>T, p.Pro10613Ser (NM_133378.4); c.13283-10019C>T (NM_003319.4); c.13859-10019C>T (NM_133437.4); c.13658-10019C>T (NM_133432.3); short protein forms P11540S, P13047S, P10613S.
Identifiers: ClinVar variation 202601 (VCV000202601.6), dbSNP rs761682559, ClinGen allele CA309715.